The following is an entry in ClinVar:

ClinVar aggregate classification (germline): Benign. Review status: criteria provided, multiple submitters, no conflicts (2 of 4 stars). 3 submissions from 3 submitters: Benign (2). 1 of the submissions does not count toward it. Last evaluated 2026-09-15.

Conditions:
Spastic paraplegia. Identifiers: MedGen C0037772, HP:0001258.
SACS-related disorder. Also called: SACS-related condition.
Charlevoix-Saguenay spastic ataxia (SACS). Also called: Spastic ataxia of Charlevoix-Saguenay; SPASTIC ATAXIA 6, AUTOSOMAL RECESSIVE; AUTOSOMAL RECESSIVE SPASTIC ATAXIA OF CHARLEVOIX-SAGUENAY. Identifiers: Orphanet 98, MedGen C1849140, MONDO:0010041, OMIM 270550.

Allele frequency attached by ClinVar (database versions not stated): gnomAD 0.00001 and 0.00011; TOPMed 0.00001; gnomAD exomes 0.00011 and 0.00029; ExAC 0.00038; 1000 Genomes Project 30x 0.00156; 1000 Genomes Project 0.00200.
gnomAD v4.1: 180 of 1,613,888 alleles (0.011%); highest among the groups gnomAD compares: South Asian, 0.18%; 3 homozygotes.

Submissions (3):

PreventionGenetics, part of Exact Sciences
Classification: Benign for SACS-related condition. Last evaluated: 2026-09-15. Review status: criteria provided, single submitter. Criteria: ACMG Guidelines, 2015. Collection method: clinical testing. Allele origin: germline.
Comment: This variant is classified as benign based on ACMG/AMP sequence variant interpretation guidelines (Richards et al. 2015 PMID: 25741868, with internal and published modifications).

Labcorp Genetics (formerly Invitae), Labcorp
Classification: Benign for Spastic paraplegia. Last evaluated: 2026-01-18. Review status: criteria provided, single submitter. Criteria: Invitae Variant Classification Sherloc (09022015). Collection method: clinical testing. Allele origin: germline.

Natera, Inc.
Classification: Likely benign for Charlevoix-Saguenay type spastic ataxia. Last evaluated: 2020-01-14. Review status: no assertion criteria provided. Collection method: clinical testing. Allele origin: germline. Not counted in ClinVar's aggregate classification.

NM_014363.6(SACS):c.8922A>G (p.Leu2974=)

Gene: SACS (sacsin molecular chaperone; minus strand). Cytogenetic location: 13q12.12.
Variant type: single nucleotide variant.
Coding change: c.8922A>G on transcript NM_014363.6 (MANE Select); coding-DNA position 8922, A replaced by G.
Protein change: p.Leu2974=; no amino-acid change (leucine 2974 retained).
Molecular consequence: synonymous variant.
Genome position (GRCh38, 1-based): chr13:23,334,954, T>C on the plus strand (A>G on the coding strand, the complement: SACS is on the minus strand). VCF-style: chr13-23334954-T-C. GRCh37 (hg19) VCF-style: chr13-23909093-T-C.
Other names: c.8481A>G, p.Leu2827= (NM_001278055.2).
Identifiers: ClinVar variation 699314 (VCV000699314.13), dbSNP rs563864403, ClinGen allele CA6910695.
Genomic context (GRCh38, chr13:23,334,954, plus strand): 5'-AGGTAAAAGACGTTTCATGTCTTCGTGAATGCAATTGTAAAGTGCTTTCACTAGACAATA[T>C]AAATCTGGCTGTAGATCAAGACGGTTAACTGGGAAAAACGATAAAAACTTCTTTAAAGTG-3'
Protein context (NP_055178.3, residues 2964-2984): PVNRLDLQPD[Leu2974=]YCLVKALYNC